The following is an entry in ClinVar:

NM_138295.5(PKD1L1):c.5565A>G (p.Gln1855=)

Gene: PKD1L1 (polycystin 1 like 1, transient receptor potential channel interacting; minus strand). Cytogenetic location: 7p12.3.
Variant type: single nucleotide variant.
Coding change: c.5565A>G on transcript NM_138295.5 (MANE Select); coding-DNA position 5565, A replaced by G.
Protein change: p.Gln1855=; no amino-acid change (glutamine 1855 retained).
Molecular consequence: synonymous variant.
Genome position (GRCh38, 1-based): chr7:47,839,650, T>C on the plus strand (A>G on the coding strand, the complement: PKD1L1 is on the minus strand). VCF-style: chr7-47839650-T-C. GRCh37 (hg19) VCF-style: chr7-47879248-T-C.
Other names: c.5565A>G (NM_138295.3).
Identifiers: ClinVar variation 2060197 (VCV002060197.30), dbSNP rs143048854, ClinGen allele CA4252800.

ClinVar aggregate classification (germline): Benign/Likely benign. Review status: criteria provided, multiple submitters, no conflicts (2 of 4 stars). 4 submissions from 4 submitters: Benign (1); Likely benign (2). 1 of the submissions does not count toward it. Last evaluated 2024-11-30.

Conditions:
PKD1L1-related disorder. Also called: PKD1L1-related condition.

Allele frequency attached by ClinVar (database versions not stated): TOPMed 0.00012; gnomAD 0.00019; ESP Exome Variant Server 0.00039; 1000 Genomes Project 30x 0.00078; 1000 Genomes Project 0.00080; ExAC 0.00171.
gnomAD v4.1: 598 of 1,569,020 alleles (0.038%); highest among the groups gnomAD compares: South Asian, 0.4%; 8 homozygotes.

Submissions (4):

Labcorp Genetics (formerly Invitae), Labcorp
Classification: Benign. Last evaluated: 2024-11-30. Review status: criteria provided, single submitter. Criteria: Invitae Variant Classification Sherloc (09022015). Collection method: clinical testing. Allele origin: germline.

Blueprint Genetics
Classification: Likely benign. Last evaluated: 2024-11-07. Review status: criteria provided, single submitter. Criteria: ACMG Guidelines, 2015. Collection method: clinical testing. Allele origin: germline.

CeGaT Center for Human Genetics Tuebingen
Classification: Likely benign. Last evaluated: 2024-05-01. Review status: criteria provided, single submitter. Criteria: CeGaT Center For Human Genetics Tuebingen Variant Classification Criteria Version 2. Collection method: clinical testing. Allele origin: germline. Affected: yes. Observed: 4 variant alleles.
Comment: PKD1L1: BP4, BP7, BS2

PreventionGenetics, part of Exact Sciences
Classification: Likely benign for PKD1L1-related condition. Last evaluated: 2021-03-12. Review status: no assertion criteria provided. Collection method: clinical testing. Allele origin: germline. Not counted in ClinVar's aggregate classification.
Comment: This variant is classified as likely benign based on ACMG/AMP sequence variant interpretation guidelines (Richards et al. 2015 PMID: 25741868, with internal and published modifications).